The following is an entry in ClinVar:

ClinVar aggregate classification (germline): Uncertain significance. Review status: criteria provided, multiple submitters, no conflicts (2 of 4 stars). 5 submissions from 5 submitters: Uncertain significance (5). Last evaluated 2025-05-05.

Conditions:
Cardiovascular phenotype. Identifiers: MedGen CN230736.
Hypertrophic cardiomyopathy. Also called: HYPERTROPHIC MYOCARDIOPATHY. Identifiers: Orphanet 217569, MedGen C0007194, MeSH D002312, MONDO:0005045, HP:0001639.

Submissions (5):

GeneDx
Classification: Uncertain significance. Last evaluated: 2025-05-05. Review status: criteria provided, single submitter. Criteria: GeneDx Variant Classification Process June 2021. Collection method: clinical testing. Allele origin: germline. Affected: yes.
Comment: Has not been previously published as pathogenic or benign to our knowledge; Not observed at significant frequency in large population cohorts (gnomAD); In silico analysis suggests that this missense variant does not alter protein structure/function

Labcorp Genetics (formerly Invitae), Labcorp
Classification: Uncertain significance for Hypertrophic cardiomyopathy. Last evaluated: 2025-02-04. Review status: criteria provided, single submitter. Criteria: Invitae Variant Classification Sherloc (09022015). Collection method: clinical testing. Allele origin: germline.
Comment: This sequence change replaces histidine, which is basic and polar, with arginine, which is basic and polar, at codon 1419 of the MYH7 protein (p.His1419Arg). This variant is not present in population databases (gnomAD no frequency). This missense change has been observed in individual(s) with clinical features of MYH7-related conditions (internal data). ClinVar contains an entry for this variant (Variation ID: 43002). Invitae Evidence Modeling of protein sequence and biophysical properties (such as structural, functional, and spatial information, amino acid conservation, physicochemical variation, residue mobility, and thermodynamic stability) indicates that this missense variant is expected to disrupt MYH7 protein function with a positive predictive value of 95%. In summary, the available evidence is currently insufficient to determine the role of this variant in disease. Therefore, it has been classified as a Variant of Uncertain Significance.

Ambry Genetics
Classification: Uncertain significance for Cardiovascular phenotype. Last evaluated: 2023-04-18. Review status: criteria provided, single submitter. Criteria: Ambry General Variant Classification Scheme_2022. Collection method: clinical testing. Allele origin: germline.
Comment: The p.H1419R variant (also known as c.4256A>G), located in coding exon 29 of the MYH7 gene, results from an A to G substitution at nucleotide position 4256. The histidine at codon 1419 is replaced by arginine, an amino acid with highly similar properties. This amino acid position is well conserved in available vertebrate species. In addition, this alteration is predicted to be tolerated by in silico analysis. Since supporting evidence is limited at this time, the clinical significance of this alteration remains unclear.

Blueprint Genetics
Classification: Uncertain significance. Last evaluated: 2020-09-08. Review status: criteria provided, single submitter. Criteria: ACMG Guidelines, 2015. Collection method: clinical testing. Allele origin: germline.

Laboratory for Molecular Medicine, Mass General Brigham Personalized Medicine
Classification: Uncertain significance. Last evaluated: 2013-03-08. Review status: criteria provided, single submitter. Criteria: LMM Criteria. Collection method: clinical testing. Allele origin: germline. Observed: 1 variant allele.
Comment: Variant classified as Uncertain Significance - Favor Pathogenic. The His1419Arg variant has not been reported in the literature nor previously identified by our laboratory. This variant has also not been identified in large European America n and African American populations by the NHLBI Exome Sequencing Project, which increases the likelihood that the variant is pathogenic. However, it may be present in other populations. The change to argin ine (Arg) was predicted to be pathogenic using a computational tool clinically v alidated by our laboratory. This tool's pathogenic prediction is estimated to be correct 94% of the time (Jordan 2011). Other computational analyses (biochemica l amino acid properties, AlignGVGD, PolyPhen2, and SIFT) do not provide strong s upport for or against an impact to the protein. In summary, this data is consist ent with a pathogenic role but is insufficient to establish this with certainty.

NM_000257.4(MYH7):c.4256A>G (p.His1419Arg)

Gene: MYH7 (myosin heavy chain 7; minus strand). Cytogenetic location: 14q11.2.
Variant type: single nucleotide variant.
Coding change: c.4256A>G on transcript NM_000257.4 (MANE Select); coding-DNA position 4256, A replaced by G.
Protein change: p.His1419Arg; replaces histidine 1419 with arginine.
Molecular consequence: missense variant.
Genome position (GRCh38, 1-based): chr14:23,417,600, T>C on the plus strand (A>G on the coding strand, the complement: MYH7 is on the minus strand). VCF-style: chr14-23417600-T-C. GRCh37 (hg19) VCF-style: chr14-23886809-T-C.
Other names: short protein forms H1419R.
Identifiers: ClinVar variation 43002 (VCV000043002.17), dbSNP rs397516206, ClinGen allele CA014711.